The following is an entry in ClinVar:

ClinVar aggregate classification (germline): Uncertain significance (1 of 4 stars; one submission).

Submission:

Women's Health and Genetics/Laboratory Corporation of America, LabCorp
Classification: Uncertain significance. Last evaluated: 2026-01-19. Review status: criteria provided, single submitter. Criteria: LabCorp Variant Classification Summary - May 2015. Collection method: clinical testing. Allele origin: germline.
Comment: Variant summary: The variant involves the duplication of exons 1-12 in the VWA3B gene. A presumed nomenclature of c.(?_-230)_(1737+1_1738-1)dup has been designated for the purposes of this classification. The exact breakpoint at the 5' end of this variant is unknown, therefore this duplication may extend upstream of the annotated region of this gene. It is predicted to duplicate a segment including the initiation codon, therefore its impact on the encoded protein is unknown. The variant was absent in 21694 control chromosomes. The available data on variant occurrences in the general population are insufficient to allow any conclusion about variant significance. To our knowledge, no occurrence of c.(?_-230)_(1737+1_1738-1)dup in individuals affected with VWA3B-related conditions and no experimental evidence demonstrating its impact on protein function have been reported. No submitters have cited clinical-significance assessments for this variant to ClinVar. Based on the evidence outlined above, the variant was classified as uncertain significance.

NC_000002.11:g.(?_98703629)_(98810956_98828392)dup

Gene: VWA3B (von Willebrand factor A domain containing 3B; plus strand). Cytogenetic location: 2q11.2.
Variant type: Duplication.
Identifiers: ClinVar variation 4689253 (VCV004689253.1).